The following is an entry in ClinVar:

ClinVar aggregate classification (germline): Uncertain significance. Review status: criteria provided, multiple submitters, no conflicts (2 of 4 stars). 2 submissions from 2 submitters: Uncertain significance (2). Last evaluated 2023-04-03.

Conditions:
Autosomal dominant hypocalcemia 1 (HYPOC1). Also called: HYPOCALCEMIA, FAMILIAL. Identifiers: MedGen C3715128, MONDO:0011013, OMIM 601198.
Familial hypocalciuric hypercalcemia (FHH). Also called: Familial benign hypercalcemia. Identifiers: Orphanet 405, MedGen C1809471, MONDO:0018458.
Nephrolithiasis/nephrocalcinosis. Identifiers: MedGen CN580796.

Submissions (2):

Ambry Genetics
Classification: Uncertain significance for Nephrolithiasis/nephrocalcinosis. Last evaluated: 2023-04-03. Review status: criteria provided, single submitter. Criteria: Ambry Variant Classification Scheme 2023. Collection method: clinical testing. Allele origin: germline.
Comment: The p.T389R variant (also known as c.1166C>G), located in coding exon 3 of the CASR gene, results from a C to G substitution at nucleotide position 1166. The threonine at codon 389 is replaced by arginine, an amino acid with similar properties. This amino acid position is conserved. In addition, the in silico prediction for this alteration is inconclusive. Since supporting evidence is limited at this time, the clinical significance of this alteration remains unclear.

Labcorp Genetics (formerly Invitae), Labcorp
Classification: Uncertain significance for Familial hypocalciuric hypercalcemia; Autosomal dominant hypocalcemia 1. Last evaluated: 2021-10-20. Review status: criteria provided, single submitter. Criteria: Invitae Variant Classification Sherloc (09022015). Collection method: clinical testing. Allele origin: germline.
Comment: In summary, the available evidence is currently insufficient to determine the role of this variant in disease. Therefore, it has been classified as a Variant of Uncertain Significance. Algorithms developed to predict the effect of missense changes on protein structure and function are either unavailable or do not agree on the potential impact of this missense change (SIFT: "Deleterious"; PolyPhen-2: "Possibly Damaging"; Align-GVGD: "Class C0"). This variant has not been reported in the literature in individuals affected with CASR-related conditions. This variant is not present in population databases (ExAC no frequency). This sequence change replaces threonine with arginine at codon 389 of the CASR protein (p.Thr389Arg). The threonine residue is moderately conserved and there is a moderate physicochemical difference between threonine and arginine.

NM_000388.4(CASR):c.1166C>G (p.Thr389Arg)

Gene: CASR (calcium sensing receptor; plus strand). Cytogenetic location: 3q21.1.
Variant type: single nucleotide variant.
Coding change: c.1166C>G on transcript NM_000388.4 (MANE Select); coding-DNA position 1166, C replaced by G.
Protein change: p.Thr389Arg; replaces threonine 389 with arginine.
Molecular consequence: missense variant.
Genome position (GRCh38, 1-based): chr3:122,262,201, C>G. VCF-style: chr3-122262201-C-G. GRCh37 (hg19) VCF-style: chr3-121981048-C-G.
Other names: c.1166C>G (NM_000388.3); c.1166C>G, p.Thr389Arg (NM_001178065.2); short protein forms T389R.
Identifiers: ClinVar variation 1498073 (VCV001498073.7), dbSNP rs2107633014, ClinGen allele CA354152735.